The following is an entry in ClinVar:

NM_000228.3(LAMB3):c.688del (p.Arg230fs)

Gene: LAMB3 (laminin subunit beta 3; minus strand). Cytogenetic location: 1q32.2.
Variant type: Deletion.
Coding change: c.688del on transcript NM_000228.3 (MANE Select); coding-DNA position 688, one base deleted (A; older notation c.688delA).
Protein change: p.Arg230fs; shifts the reading frame from arginine 230.
Molecular consequence: frameshift variant.
Genome position (GRCh38, 1-based): chr1:209,632,717, T deleted on the plus strand (A on the coding strand, the reverse complement: LAMB3 is on the minus strand); the first of 3 consecutive T bases (chr1:209,632,717-209,632,719); deleting any one gives the same sequence. VCF-style (leftmost placement, unchanged base first): chr1-209632716-CT-C. GRCh37 (hg19) VCF-style: chr1-209806061-CT-C.
Other names: c.688del, p.Arg230fs (NM_001017402.2, NM_001127641.1); short protein forms R230fs.
Identifiers: ClinVar variation 5016159 (VCV005016159.1).

ClinVar aggregate classification (germline): Pathogenic (1 of 4 stars; one submission).

Conditions:
Junctional epidermolysis bullosa. Identifiers: Orphanet 305, MedGen C0079301, MONDO:0017612.

Submission:

Myriad Genetics, Inc.
Classification: Pathogenic for Junctional epidermolysis bullosa. Last evaluated: 2026-07-25. Review status: criteria provided, single submitter. Criteria: Myriad Autosomal Dominant, Autosomal Recessive and X-Linked Classification Criteria (2023). Collection method: clinical testing. Allele origin: unknown.
Comment: NM_000228.2(LAMB3):c.688delA(R230Gfs*166) is expected to be pathogenic in the context of junctional epidermolysis bullosa, LAMB3-related. This variant is predicted to lead to an abnormal or absent protein product due to the creation of a premature termination codon in LAMB3, a gene where loss-of-function variants are known to be pathogenic. Please note: this variant was assessed in the context of healthy population screening.